The following is an entry in ClinVar:

NM_002230.4(JUP):c.1105G>T (p.Val369Leu)

Gene: JUP (junction plakoglobin; minus strand). Cytogenetic location: 17q21.2.
Variant type: single nucleotide variant.
Coding change: c.1105G>T on transcript NM_002230.4 (MANE Select); coding-DNA position 1105, G replaced by T.
Protein change: p.Val369Leu; replaces valine 369 with leucine.
Molecular consequence: missense variant.
Genome position (GRCh38, 1-based): chr17:41,764,766, C>A on the plus strand (G>T on the coding strand, the complement: JUP is on the minus strand). VCF-style: chr17-41764766-C-A. GRCh37 (hg19) VCF-style: chr17-39921018-C-A.
Other names: c.1105G>T, p.Val369Leu (NM_001352773.2, NM_001352774.2, NM_001352775.2 and 3 more transcripts); short protein forms V369L.
Identifiers: ClinVar variation 1028008 (VCV001028008.2), dbSNP rs1915425116, ClinGen allele CA399498874.
Genomic context (GRCh38, chr17:41,764,766, plus strand): 5'-CCCTCACCTGCTTGGTGGCCACATCTGAGAGGTTGCGCAGGGTCCACAGGCAGTTCTGCA[C>A]CAGGCGGGGGCTGTTGCTGGTCAGGTGCTTGCCCAGGGCCTGCATCCCACCTGGGGCAGG-3'
Protein context (NP_002221.1, residues 359-379): KHLTSNSPRL[Val369Leu]QNCLWTLRNL

ClinVar aggregate classification (germline): Uncertain significance. Review status: criteria provided, multiple submitters, no conflicts (2 of 4 stars). 2 submissions from 2 submitters: Uncertain significance (2). Last evaluated 2021-10-26.

Conditions:
Arrhythmogenic right ventricular dysplasia 12. Also called: ARRHYTHMOGENIC RIGHT VENTRICULAR DYSPLASIA, FAMILIAL, 12. Identifiers: MedGen C1969081, MONDO:0012684, OMIM 611528.

gnomAD v4.1: 1 of 1,613,576 alleles (0.000062%); highest among the groups gnomAD compares: Non-Finnish European, 0.000085%; no homozygotes.

Submissions (2):

Blueprint Genetics
Classification: Uncertain significance. Last evaluated: 2021-10-26. Review status: criteria provided, single submitter. Criteria: ACMG Guidelines, 2015. Collection method: clinical testing. Allele origin: germline.

Baylor Genetics
Classification: Uncertain significance for Arrhythmogenic right ventricular dysplasia 12. Last evaluated: 2020-07-28. Review status: criteria provided, single submitter. Criteria: ACMG Guidelines, 2015. Collection method: clinical testing. Allele origin: unknown. Affected: yes.
Comment: This variant was determined to be of uncertain significance according to ACMG Guidelines, 2015 [PMID:25741868].